The following is an entry in ClinVar:

ClinVar aggregate classification (germline): Pathogenic (1 of 4 stars; one submission).

Conditions:
Congenital heart defects, dysmorphic facial features, and intellectual developmental disorder (CHDFIDD). Identifiers: Orphanet 646278, MedGen C4479246, MONDO:0044302, OMIM 617360.

Submission:

Labcorp Genetics (formerly Invitae), Labcorp
Classification: Pathogenic. Last evaluated: 2025-01-15. Review status: criteria provided, single submitter. Criteria: Invitae Variant Classification Sherloc (09022015). Collection method: clinical testing. Allele origin: germline.
Comment: This sequence change replaces aspartic acid, which is acidic and polar, with glutamic acid, which is acidic and polar, at codon 837 of the CDK13 protein (p.Asp837Glu). This variant is not present in population databases (gnomAD no frequency). This missense change has been observed in individual(s) with CDK13-related conditions (PMID: 36599938). In at least one individual the variant was observed to be de novo. ClinVar contains an entry for this variant (Variation ID: 973023). Invitae Evidence Modeling of protein sequence and biophysical properties (such as structural, functional, and spatial information, amino acid conservation, physicochemical variation, residue mobility, and thermodynamic stability) indicates that this missense variant is expected to disrupt CDK13 protein function with a positive predictive value of 95%. For these reasons, this variant has been classified as Pathogenic.

Literature cited by the submitters: PubMed 36599938 (cited by Labcorp Genetics (formerly Invitae), Labcorp).

NM_003718.5(CDK13):c.2511T>G (p.Asp837Glu)

Gene: CDK13 (cyclin dependent kinase 13; plus strand). Cytogenetic location: 7p14.1.
Variant type: single nucleotide variant.
Coding change: c.2511T>G on transcript NM_003718.5 (MANE Select); coding-DNA position 2511, T replaced by G.
Protein change: p.Asp837Glu; replaces aspartic acid 837 with glutamic acid.
Molecular consequence: missense variant.
Genome position (GRCh38, 1-based): chr7:40,045,993, T>G. VCF-style: chr7-40045993-T-G. GRCh37 (hg19) VCF-style: chr7-40085592-T-G.
Other names: c.2511T>G, p.Asp837Glu (NM_031267.4); short protein forms D837E.
Identifiers: ClinVar variation 973023 (VCV000973023.5), dbSNP rs759838977, ClinGen allele CA367280272.